The following is an entry in ClinVar:

NM_013318.4(PRRC2B):c.1506G>A (p.Ala502=)

Gene: PRRC2B (proline rich coiled-coil 2B; plus strand). Cytogenetic location: 9q34.13.
Variant type: single nucleotide variant.
Coding change: c.1506G>A on transcript NM_013318.4 (MANE Select); coding-DNA position 1506, G replaced by A.
Protein change: p.Ala502=; no amino-acid change (alanine 502 retained).
Molecular consequence: synonymous variant.
Genome position (GRCh38, 1-based): chr9:131,464,864, G>A. VCF-style: chr9-131464864-G-A. GRCh37 (hg19) VCF-style: chr9-134340251-G-A.
Other names: c.1506G>A, p.Ala502= (NM_001384818.1, NM_001384821.1, NM_001384822.1 and 1 more transcripts).
Identifiers: ClinVar variation 2659629 (VCV002659629.24), dbSNP rs528897720, ClinGen allele CA5291523.

ClinVar aggregate classification (germline): Likely benign (1 of 4 stars; one submission).

Allele frequency attached by ClinVar (database versions not stated): gnomAD exomes 0.00001; ExAC 0.00002; 1000 Genomes Project 30x 0.00016; 1000 Genomes Project 0.00020.
gnomAD v4.1: 8 of 1,613,734 alleles (0.0005%); highest among the groups gnomAD compares: South Asian, 0.0044%; no homozygotes.

Submission:

CeGaT Center for Human Genetics Tuebingen
Classification: Likely benign. Last evaluated: 2022-11-01. Review status: criteria provided, single submitter. Criteria: CeGaT Center For Human Genetics Tuebingen Variant Classification Criteria Version 2. Collection method: clinical testing. Allele origin: germline. Affected: yes. Observed: 1 variant allele.
Comment: PRRC2B: BP4, BP7